The following is an entry in ClinVar:

NM_000321.3(RB1):c.1531G>T (p.Asp511Tyr)

Gene: RB1 (RB transcriptional corepressor 1; plus strand). Cytogenetic location: 13q14.2.
Variant type: single nucleotide variant.
Coding change: c.1531G>T on transcript NM_000321.3 (MANE Select); coding-DNA position 1531, G replaced by T.
Protein change: p.Asp511Tyr; replaces aspartic acid 511 with tyrosine.
Molecular consequence: missense variant.
Genome position (GRCh38, 1-based): chr13:48,381,279, G>T. VCF-style: chr13-48381279-G-T. GRCh37 (hg19) VCF-style: chr13-48955415-G-T.
Other names: c.1531G>T, p.Asp511Tyr (NM_001407165.1, NM_001407166.1); short protein forms D511Y.
Identifiers: ClinVar variation 2819116 (VCV002819116.4), dbSNP rs145729675, ClinGen allele CA388163385.

ClinVar aggregate classification (germline): Uncertain significance. Review status: criteria provided, multiple submitters, no conflicts (2 of 4 stars). 2 submissions from 2 submitters: Uncertain significance (2). Last evaluated 2026-07-07.

Conditions:
Retinoblastoma (RB1). Also called: RETINOBLASTOMA, SOMATIC. Identifiers: Orphanet 790, MedGen C0035335, MeSH D012175, MONDO:0008380, OMIM 180200, HP:0009919. Disease mechanism: loss of function. Inheritance: Both sporadic and heritable forms are tested..
Hereditary cancer-predisposing syndrome. Also called: Hereditary Cancer Syndrome; Hereditary neoplastic syndrome; Neoplastic Syndromes, Hereditary; Tumor predisposition. Identifiers: Orphanet 140162, MedGen C0027672, MeSH D009386, MONDO:0015356.

Submissions (2):

Ambry Genetics
Classification: Uncertain significance for Hereditary cancer-predisposing syndrome. Last evaluated: 2026-07-07. Review status: criteria provided, single submitter. Criteria: Ambry Variant Classification Scheme 2023. Collection method: clinical testing. Allele origin: germline.
Comment: The p.D511Y variant (also known as c.1531G>T), located in coding exon 17 of the RB1 gene, results from a G to T substitution at nucleotide position 1531. The aspartic acid at codon 511 is replaced by tyrosine, an amino acid with highly dissimilar properties. This amino acid position is conserved. In addition, the in silico prediction for this alteration is inconclusive. Based on the available evidence, the clinical significance of this variant remains unclear.

Labcorp Genetics (formerly Invitae), Labcorp
Classification: Uncertain significance for Retinoblastoma. Last evaluated: 2022-12-07. Review status: criteria provided, single submitter. Criteria: Invitae Variant Classification Sherloc (09022015). Collection method: clinical testing. Allele origin: germline.
Comment: This variant is not present in population databases (gnomAD no frequency). This sequence change replaces aspartic acid, which is acidic and polar, with tyrosine, which is neutral and polar, at codon 511 of the RB1 protein (p.Asp511Tyr). In summary, the available evidence is currently insufficient to determine the role of this variant in disease. Therefore, it has been classified as a Variant of Uncertain Significance. Advanced modeling of protein sequence and biophysical properties (such as structural, functional, and spatial information, amino acid conservation, physicochemical variation, residue mobility, and thermodynamic stability) performed at Invitae indicates that this missense variant is expected to disrupt RB1 protein function. This variant has not been reported in the literature in individuals affected with RB1-related conditions.